The following is an entry in ClinVar:

ClinVar aggregate classification (germline): Pathogenic/Likely pathogenic. Review status: criteria provided, multiple submitters, no conflicts (2 of 4 stars). 6 submissions from 6 submitters: Pathogenic (2); Likely pathogenic (1). 3 of the submissions do not count toward it. Last evaluated 2025-08-02.

Conditions:
Neuromuscular disease and ocular or auditory anomalies with or without seizures. Also called: NEUROMUSCULAR OCULOAUDITORY SYNDROME. Identifiers: MedGen C5231483, MONDO:0032890, OMIM 618733.
Intellectual disability. Also called: Intellectual functioning disability; intellectual disabilities; Intellectual developmental disorder. Identifiers: MedGen C3714756, MeSH D008607, MONDO:0001071, HP:0001249.
Neurodevelopmental delay. Identifiers: MedGen C4022738, HP:0012758.
Seizure. Also called: Seizures. Identifiers: MedGen C0036572, HP:0001250.
Neurodevelopmental disorders.
DHX16-related disorders.
Inborn genetic diseases. Identifiers: MedGen C0950123, MeSH D030342.

Submissions (6):

Ambry Genetics
Classification: Pathogenic for Inborn genetic diseases. Last evaluated: 2025-08-02. Review status: criteria provided, single submitter. Criteria: Ambry Variant Classification Scheme 2023. Collection method: clinical testing. Allele origin: germline.
Comment: The c.2021C>T (p.T674M) alteration is located in coding exon 13 of the DHX16 gene. This alteration results from a C to T substitution at nucleotide position 2021, causing the threonine (T) at amino acid position 674 to be replaced by a methionine (M). This variant was not reported in population-based cohorts in the Genome Aggregation Database (gnomAD). This variant was determined to be de novo in multiple unrelated individuals with features consistent with DHX16-related neuromuscular oculoauditory syndrome (Drackley, 2024). This amino acid position is highly conserved in available vertebrate species. This alteration is predicted to be deleterious by in silico analysis. Based on the available evidence, this alteration is classified as pathogenic.

GeneDx
Classification: Pathogenic. Last evaluated: 2023-08-16. Review status: criteria provided, single submitter. Criteria: GeneDx Variant Classification Process June 2021. Collection method: clinical testing. Allele origin: germline. Affected: yes.
Comment: Not observed at significant frequency in large population cohorts (gnomAD); In silico analysis supports that this missense variant has a deleterious effect on protein structure/function; This variant is associated with the following publications: (PMID: 36212160, 31256877, 36211162)

Blueprint Genetics
Classification: Likely pathogenic for DHX16-related disorders. Last evaluated: 2022-03-15. Review status: criteria provided, single submitter. Criteria: ACMG Guidelines, 2015. Collection method: clinical testing. Allele origin: de novo. Affected: yes. Observed: 2 variant alleles.

OMIM
Classification: Pathogenic for NEUROMUSCULAR OCULOAUDITORY SYNDROME. Last evaluated: 2025-04-18. Review status: no assertion criteria provided. Collection method: literature only. Allele origin: germline. Not counted in ClinVar's aggregate classification.

Lupski Lab, Baylor-Hopkins CMG, Baylor College of Medicine
Classification: Likely pathogenic for Neurodevelopmental delay; Intellectual disability; Seizure. Last evaluated: 2019-05-30. Review status: no assertion criteria provided. Collection method: research. Allele origin: de novo. Affected: yes. Not counted in ClinVar's aggregate classification.

University of Washington Center for Mendelian Genomics, University of Washington
Classification: Likely pathogenic for Neurodevelopmental disorders. Review status: no assertion criteria provided. Collection method: research. Allele origin: de novo. Affected: yes. Not counted in ClinVar's aggregate classification.

Literature cited by the submitters: PubMed 37664979 (cited by Ambry Genetics); PubMed 31256877 (cited by OMIM and University of Washington Center for Mendelian Genomics, University of Washington).

NM_003587.5(DHX16):c.2021C>T (p.Thr674Met)

Gene: DHX16 (DEAH-box helicase 16; minus strand). Cytogenetic location: 6p21.33.
Variant type: single nucleotide variant.
Coding change: c.2021C>T on transcript NM_003587.5 (MANE Select); coding-DNA position 2021, C replaced by T.
Protein change: p.Thr674Met; replaces threonine 674 with methionine.
Molecular consequence: missense variant.
Genome position (GRCh38, 1-based): chr6:30,657,079, G>A on the plus strand (C>T on the coding strand, the complement: DHX16 is on the minus strand). VCF-style: chr6-30657079-G-A. GRCh37 (hg19) VCF-style: chr6-30624856-G-A.
Other names: c.1841C>T, p.Thr614Met (NM_001164239.2); c.578C>T, p.Thr193Met (NM_001363515.2); short protein forms T193M, T614M, T674M.
Identifiers: ClinVar variation 691934 (VCV000691934.7), dbSNP rs1582931908, ClinGen allele CA363103615.
Genomic context (GRCh38, chr6:30,657,079, plus strand): 5'-AACCCTGGATCCAGCACATAAATGATGCCCTCAATGGTGAGTGATGTCTCAGCAATGTTC[G>A]TTGCCACAACCACCTGAGTGATAGGATATGGGGTCACCCAGTGACCCCACCTACCTAGTT-3'
Protein context (NP_003578.2, residues 664-684): PPGARKVVVA[Thr674Met]NIAETSLTIE